The following is an entry in ClinVar:

ClinVar aggregate classification (germline): Uncertain significance. Review status: criteria provided, multiple submitters, no conflicts (2 of 4 stars). 3 submissions from 3 submitters: Uncertain significance (3). Last evaluated 2025-11-18.

Conditions:
Hereditary cancer-predisposing syndrome. Also called: Hereditary neoplastic syndrome; Neoplastic Syndromes, Hereditary; Tumor predisposition; Hereditary Cancer Syndrome. Identifiers: Orphanet 140162, MedGen C0027672, MeSH D009386, MONDO:0015356.
Retinoblastoma (RB1). Also called: RETINOBLASTOMA, SOMATIC. Identifiers: Orphanet 790, MedGen C0035335, MeSH D012175, MONDO:0008380, OMIM 180200, HP:0009919. Disease mechanism: loss of function. Inheritance: Both sporadic and heritable forms are tested..

Allele frequency attached by ClinVar (database versions not stated): gnomAD 0.00001.
gnomAD v4.1: 2 of 1,602,294 alleles (0.00012%); highest among the groups gnomAD compares: African/African-American, 0.0027%; no homozygotes.

Submissions (3):

Labcorp Genetics (formerly Invitae), Labcorp
Classification: Uncertain significance for Retinoblastoma. Last evaluated: 2025-11-18. Review status: criteria provided, single submitter. Criteria: Invitae Variant Classification Sherloc (09022015). Collection method: clinical testing. Allele origin: germline.
Comment: This sequence change replaces methionine, which is neutral and non-polar, with threonine, which is neutral and polar, at codon 484 of the RB1 protein (p.Met484Thr). This variant is not present in population databases (gnomAD no frequency). This variant has not been reported in the literature in individuals affected with RB1-related conditions. ClinVar contains an entry for this variant (Variation ID: 1004720). Invitae Evidence Modeling of protein sequence and biophysical properties (such as structural, functional, and spatial information, amino acid conservation, physicochemical variation, residue mobility, and thermodynamic stability) indicates that this missense variant is not expected to disrupt RB1 protein function with a negative predictive value of 80%. In summary, the available evidence is currently insufficient to determine the role of this variant in disease. Therefore, it has been classified as a Variant of Uncertain Significance.

GeneDx
Classification: Uncertain significance. Last evaluated: 2024-08-30. Review status: criteria provided, single submitter. Criteria: GeneDx Variant Classification Process June 2021. Collection method: clinical testing. Allele origin: germline. Affected: yes.
Comment: Not observed at significant frequency in large population cohorts (gnomAD); In silico analysis indicates that this missense variant does not alter protein structure/function; This variant is associated with the following publications: (PMID: 23516486, 33057194, 35982159)

Ambry Genetics
Classification: Uncertain significance for Hereditary cancer-predisposing syndrome. Last evaluated: 2023-09-05. Review status: criteria provided, single submitter. Criteria: Ambry Variant Classification Scheme 2023. Collection method: clinical testing. Allele origin: germline.
Comment: The p.M484T variant (also known as c.1451T>C), located in coding exon 16 of the RB1 gene, results from a T to C substitution at nucleotide position 1451. The methionine at codon 484 is replaced by threonine, an amino acid with similar properties. This amino acid position is not well conserved in available vertebrate species, and threonine is the reference amino acid in other vertebrate species. In addition, this alteration is predicted to be tolerated by in silico analysis. Since supporting evidence is limited at this time, the clinical significance of this alteration remains unclear.

NM_000321.3(RB1):c.1451T>C (p.Met484Thr)

Gene: RB1 (RB transcriptional corepressor 1; plus strand). Cytogenetic location: 13q14.2.
Variant type: single nucleotide variant.
Coding change: c.1451T>C on transcript NM_000321.3 (MANE Select); coding-DNA position 1451, T replaced by C.
Protein change: p.Met484Thr; replaces methionine 484 with threonine.
Molecular consequence: missense variant.
Genome position (GRCh38, 1-based): chr13:48,380,194, T>C. VCF-style: chr13-48380194-T-C. GRCh37 (hg19) VCF-style: chr13-48954330-T-C.
Other names: short protein forms M484T.
Identifiers: ClinVar variation 1004720 (VCV001004720.10), dbSNP rs1948522862, ClinGen allele CA388162827.